The following is an entry in ClinVar:

NM_006015.6(ARID1A):c.1849T>C (p.Ser617Pro)

Gene: ARID1A (AT-rich interaction domain 1A; plus strand). Cytogenetic location: 1p36.11.
Variant type: single nucleotide variant.
Coding change: c.1849T>C on transcript NM_006015.6 (MANE Select); coding-DNA position 1849, T replaced by C.
Protein change: p.Ser617Pro; replaces serine 617 with proline.
Molecular consequence: missense variant.
Genome position (GRCh38, 1-based): chr1:26,732,721, T>C. VCF-style: chr1-26732721-T-C. GRCh37 (hg19) VCF-style: chr1-27059212-T-C.
Other names: c.1849T>C, p.Ser617Pro (NM_139135.4); short protein forms S617P.
Identifiers: ClinVar variation 2499399 (VCV002499399.1), dbSNP rs2525735504, ClinGen allele CA339268978.
Genomic context (GRCh38, chr1:26,732,721, plus strand): 5'-TTTTTCTTGTTGTAGGAGCTATCTCAAGATTCATTTGGGTCTCAGGCATCCTCAGCCCCC[T>C]CAATGACCTCCAGTAAGGGAGGGCAAGAAGATATGAACCTGAGCCTTCAGTCAAGACCCT-3'
Protein context (NP_006006.3, residues 607-627): SFGSQASSAP[Ser617Pro]MTSSKGGQED

ClinVar aggregate classification (germline): Uncertain significance (1 of 4 stars; one submission).

Allele frequency attached by ClinVar (database versions not stated): gnomAD exomes 0.00001.
gnomAD v4.1: 16 of 1,614,030 alleles (0.00099%); highest among the groups gnomAD compares: Non-Finnish European, 0.0014%; no homozygotes.

Submission:

GeneDx
Classification: Uncertain significance. Last evaluated: 2022-10-12. Review status: criteria provided, single submitter. Criteria: GeneDx Variant Classification Process June 2021. Collection method: clinical testing. Allele origin: germline. Affected: yes.
Comment: Not observed at significant frequency in large population cohorts (gnomAD); In silico analysis supports that this missense variant does not alter protein structure/function; Has not been previously published as pathogenic or benign to our knowledge